The following is an entry in ClinVar:

NM_000257.4(MYH7):c.1634A>T (p.Asp545Val)

Gene: MYH7 (myosin heavy chain 7; minus strand). Cytogenetic location: 14q11.2.
Variant type: single nucleotide variant.
Coding change: c.1634A>T on transcript NM_000257.4 (MANE Select); coding-DNA position 1634, A replaced by T.
Protein change: p.Asp545Val; replaces aspartic acid 545 with valine.
Molecular consequence: missense variant.
Genome position (GRCh38, 1-based): chr14:23,427,839, T>A on the plus strand (A>T on the coding strand, the complement: MYH7 is on the minus strand). VCF-style: chr14-23427839-T-A. GRCh37 (hg19) VCF-style: chr14-23897048-T-A.
Other names: c.1634A>T, p.Asp545Val (NM_001407004.1); short protein forms D545V.
Identifiers: ClinVar variation 3636041 (VCV003636041.2).

ClinVar aggregate classification (germline): Uncertain significance (1 of 4 stars; one submission).

Conditions:
Hypertrophic cardiomyopathy. Also called: HYPERTROPHIC MYOCARDIOPATHY. Identifiers: Orphanet 217569, MedGen C0007194, MeSH D002312, MONDO:0005045, HP:0001639.

Submission:

Labcorp Genetics (formerly Invitae), Labcorp
Classification: Uncertain significance for Hypertrophic cardiomyopathy. Last evaluated: 2024-08-14. Review status: criteria provided, single submitter. Criteria: Invitae Variant Classification Sherloc (09022015). Collection method: clinical testing. Allele origin: germline.
Comment: This sequence change replaces aspartic acid, which is acidic and polar, with valine, which is neutral and non-polar, at codon 545 of the MYH7 protein (p.Asp545Val). This variant is not present in population databases (gnomAD no frequency). This variant has not been reported in the literature in individuals affected with MYH7-related conditions. Invitae Evidence Modeling of protein sequence and biophysical properties (such as structural, functional, and spatial information, amino acid conservation, physicochemical variation, residue mobility, and thermodynamic stability) indicates that this missense variant is expected to disrupt MYH7 protein function with a positive predictive value of 95%. In summary, the available evidence is currently insufficient to determine the role of this variant in disease. Therefore, it has been classified as a Variant of Uncertain Significance.